The following is an entry in ClinVar:

NM_001330078.2(NRXN1):c.3596C>T (p.Ala1199Val)

Gene: NRXN1 (neurexin 1; minus strand). Cytogenetic location: 2p16.3.
Variant type: single nucleotide variant.
Coding change: c.3596C>T on transcript NM_001330078.2 (MANE Select); coding-DNA position 3596, C replaced by T.
Protein change: p.Ala1199Val; replaces alanine 1199 with valine.
Molecular consequence: missense variant.
Genome position (GRCh38, 1-based): chr2:50,091,445, G>A on the plus strand (C>T on the coding strand, the complement: NRXN1 is on the minus strand). VCF-style: chr2-50091445-G-A. GRCh37 (hg19) VCF-style: chr2-50318583-G-A.
Other names: c.3716C>T, p.Ala1239Val (NM_001135659.3); c.3572C>T, p.Ala1191Val (NM_001330077.2, NM_001330082.2); c.3530C>T, p.Ala1177Val (NM_001330083.2, NM_001330084.2); c.3569C>T, p.Ala1190Val (NM_001330085.2); c.3596C>T, p.Ala1199Val (NM_001330086.2, NM_004801.6); c.3485C>T, p.Ala1162Val (NM_001330087.2, NM_001330096.2); c.3515C>T, p.Ala1172Val (NM_001330088.2); c.491C>T, p.Ala164Val (NM_001330091.2, NM_001330092.2, NM_001330097.2 and 1 more transcripts); and 4 more; short protein forms A1182V, A1199V, A1190V, A1239V, A164V, A1191V, A1198V, A1162V.
Identifiers: ClinVar variation 1734240 (VCV001734240.4), dbSNP rs2468070489, ClinGen allele CA346819205.

ClinVar aggregate classification (germline): Uncertain significance. Review status: criteria provided, single submitter (1 of 4 stars). 2 submissions from 2 submitters: Uncertain significance (1). 1 of the submissions does not count toward it. Last evaluated 2017-10-05.

Conditions:
Inborn genetic diseases. Identifiers: MedGen C0950123, MeSH D030342.
NRXN1-related disorder.

Allele frequency attached by ClinVar (database versions not stated): gnomAD exomes below 0.00001.
gnomAD v4.1: 1 of 1,614,122 alleles (0.000062%); highest among the groups gnomAD compares: Non-Finnish European, 0.000085%; no homozygotes.

Submissions (2):

Ambry Genetics
Classification: Uncertain significance for Inborn genetic diseases. Last evaluated: 2017-10-05. Review status: criteria provided, single submitter. Criteria: Ambry Variant Classification Scheme 2023. Collection method: clinical testing. Allele origin: germline.
Comment: The p.A1239V variant (also known as c.3716C>T), located in coding exon 19 of the NRXN1 gene, results from a C to T substitution at nucleotide position 3716. The alanine at codon 1239 is replaced by valine, an amino acid with similar properties. This amino acid position is not well conserved in available vertebrate species. In addition, the in silico prediction for this alteration is inconclusive. Since supporting evidence is limited at this time, the clinical significance of this alteration remains unclear.

PreventionGenetics, part of Exact Sciences
Classification: Uncertain significance for NRXN1-related condition. Last evaluated: 2023-12-05. Review status: no assertion criteria provided. Collection method: clinical testing. Allele origin: germline. Not counted in ClinVar's aggregate classification.
Comment: The NRXN1 c.3716C>T variant is predicted to result in the amino acid substitution p.Ala1239Val. To our knowledge, this variant has not been reported in the literature or in a large population database, indicating this variant is rare. At this time, the clinical significance of this variant is uncertain due to the absence of conclusive functional and genetic evidence.